The following is an entry in ClinVar:

NM_001330260.2(SCN8A):c.3372T>G (p.Asp1124Glu)

Gene: SCN8A (sodium voltage-gated channel alpha subunit 8; plus strand). Cytogenetic location: 12q13.13.
Variant type: single nucleotide variant.
Coding change: c.3372T>G on transcript NM_001330260.2 (MANE Select); coding-DNA position 3372, T replaced by G.
Protein change: p.Asp1124Glu; replaces aspartic acid 1124 with glutamic acid.
Molecular consequence: missense variant.
Genome position (GRCh38, 1-based): chr12:51,769,335, T>G. VCF-style: chr12-51769335-T-G. GRCh37 (hg19) VCF-style: chr12-52163119-T-G.
Other names: c.3372T>G, p.Asp1124Glu (NM_001177984.3, NM_001369788.1, NM_014191.4); short protein forms D1124E.
Identifiers: ClinVar variation 1462099 (VCV001462099.9), dbSNP rs574382050, ClinGen allele CA6571584.

ClinVar aggregate classification (germline): Uncertain significance (1 of 4 stars; one submission).

Conditions:
Early-infantile DEE. Also called: Early infantile epileptic encephalopathy; Ohtahara syndrome; Early infantile epileptic encephalopathy with suppression bursts. Identifiers: Orphanet 1934, MedGen C0393706, MONDO:0800491.

Allele frequency attached by ClinVar (database versions not stated): gnomAD exomes below 0.00001; ExAC 0.00001; gnomAD 0.00001 and 0.00002; 1000 Genomes Project 30x 0.00016; 1000 Genomes Project 0.00020.
gnomAD v4.1: 3 of 1,576,374 alleles (0.00019%); highest among the groups gnomAD compares: African/African-American, 0.004%; no homozygotes.

Submission:

Labcorp Genetics (formerly Invitae), Labcorp
Classification: Uncertain significance for Early-infantile DEE. Last evaluated: 2024-12-02. Review status: criteria provided, single submitter. Criteria: Invitae Variant Classification Sherloc (09022015). Collection method: clinical testing. Allele origin: germline.
Comment: This sequence change replaces aspartic acid, which is acidic and polar, with glutamic acid, which is acidic and polar, at codon 1124 of the SCN8A protein (p.Asp1124Glu). This variant is present in population databases (rs574382050, gnomAD 0.008%). This variant has not been reported in the literature in individuals affected with SCN8A-related conditions. ClinVar contains an entry for this variant (Variation ID: 1462099). An algorithm developed to predict the effect of missense changes on protein structure and function (PolyPhen-2) suggests that this variant is likely to be tolerated. In summary, the available evidence is currently insufficient to determine the role of this variant in disease. Therefore, it has been classified as a Variant of Uncertain Significance.